The following is an entry in ClinVar:

NM_001376.5(DYNC1H1):c.3274A>C (p.Thr1092Pro)

Gene: DYNC1H1 (dynein cytoplasmic 1 heavy chain 1; plus strand). Cytogenetic location: 14q32.31.
Variant type: single nucleotide variant.
Coding change: c.3274A>C on transcript NM_001376.5 (MANE Select); coding-DNA position 3274, A replaced by C.
Protein change: p.Thr1092Pro; replaces threonine 1092 with proline.
Molecular consequence: missense variant.
Genome position (GRCh38, 1-based): chr14:101,994,790, A>C. VCF-style: chr14-101994790-A-C. GRCh37 (hg19) VCF-style: chr14-102461127-A-C.
Other names: short protein forms T1092P.
Identifiers: ClinVar variation 4802045 (VCV004802045.1).

ClinVar aggregate classification (germline): Uncertain significance (1 of 4 stars; one submission).

Conditions:
Charcot-Marie-Tooth disease axonal type 2O. Also called: CHARCOT-MARIE-TOOTH NEUROPATHY, AXONAL, TYPE 2O; CHARCOT-MARIE-TOOTH DISEASE, AXONAL, AUTOSOMAL DOMINANT, TYPE 2O; Charcot-Marie-Tooth Neuropathy Type 2O; Charcot-Marie-Tooth disease, axonal, type 20. Identifiers: Orphanet 284232, MedGen C3280220, MONDO:0013644, OMIM 614228.

Submission:

Labcorp Genetics (formerly Invitae), Labcorp
Classification: Uncertain significance for Charcot-Marie-Tooth disease axonal type 2O. Last evaluated: 2025-04-08. Review status: criteria provided, single submitter. Criteria: Invitae Variant Classification Sherloc (09022015). Collection method: clinical testing. Allele origin: germline.
Comment: This sequence change replaces threonine, which is neutral and polar, with proline, which is neutral and non-polar, at codon 1092 of the DYNC1H1 protein (p.Thr1092Pro). This variant is not present in population databases (gnomAD no frequency). This variant has not been reported in the literature in individuals affected with DYNC1H1-related conditions. Invitae Evidence Modeling of protein sequence and biophysical properties (such as structural, functional, and spatial information, amino acid conservation, physicochemical variation, residue mobility, and thermodynamic stability) indicates that this missense variant is expected to disrupt DYNC1H1 protein function with a positive predictive value of 95%. In summary, the available evidence is currently insufficient to determine the role of this variant in disease. Therefore, it has been classified as a Variant of Uncertain Significance.